The following is an entry in ClinVar:

NM_001387430.1(SH2B1):c.96C>T (p.Ser32=)

Gene: SH2B1 (SH2B adaptor protein 1; plus strand). Cytogenetic location: 16p11.2.
Variant type: single nucleotide variant.
Coding change: c.96C>T on transcript NM_001387430.1 (MANE Select); coding-DNA position 96, C replaced by T.
Protein change: p.Ser32=; no amino-acid change (serine 32 retained).
Molecular consequence: synonymous variant. On other transcripts: intron variant (1).
Genome position (GRCh38, 1-based): chr16:28,866,190, C>T. VCF-style: chr16-28866190-C-T. GRCh37 (hg19) VCF-style: chr16-28877511-C-T.
Other names: c.96C>T, p.Ser32= (NM_001145795.2, NM_001145796.2, NM_001145797.2 and 4 more transcripts); c.-26-1184C>T (NM_001308294.2).
Identifiers: ClinVar variation 3356732 (VCV003356732.1).

ClinVar aggregate classification (germline): Likely benign (0 of 4 stars; one submission).

Conditions:
SH2B1-related disorder. Also called: SH2B1-related condition.

gnomAD v4.1: 2 of 1,579,384 alleles (0.00013%); highest among the groups gnomAD compares: Non-Finnish European, 0.00017%; no homozygotes.

Submission:

PreventionGenetics, part of Exact Sciences
Classification: Likely benign for SH2B1-related condition. Last evaluated: 2023-06-13. Review status: no assertion criteria provided. Collection method: clinical testing. Allele origin: germline.
Comment: This variant is classified as likely benign based on ACMG/AMP sequence variant interpretation guidelines (Richards et al. 2015 PMID: 25741868, with internal and published modifications).